The following is an entry in ClinVar:

ClinVar aggregate classification (germline): Likely benign. Review status: criteria provided, multiple submitters, no conflicts (2 of 4 stars). 2 submissions from 2 submitters: Likely benign (2). Last evaluated 2024-12-27.

Conditions:
Dilated cardiomyopathy 1G (CMD1G). Identifiers: Orphanet 154, MedGen C1858763, MONDO:0011400, OMIM 604145.
Autosomal recessive limb-girdle muscular dystrophy type 2J (LGMDR10). Also called: Limb-girdle muscular dystrophy, type 2J; MUSCULAR DYSTROPHY, LIMB-GIRDLE, AUTOSOMAL RECESSIVE 10. Identifiers: Orphanet 140922, MedGen C1837342, MONDO:0012127, OMIM 608807.

Submissions (2):

Labcorp Genetics (formerly Invitae), Labcorp
Classification: Likely benign for Dilated cardiomyopathy 1G; Autosomal recessive limb-girdle muscular dystrophy type 2J. Last evaluated: 2024-12-27. Review status: criteria provided, single submitter. Criteria: Invitae Variant Classification Sherloc (09022015). Collection method: clinical testing. Allele origin: germline.

GeneDx
Classification: Likely benign. Last evaluated: 2017-03-23. Review status: criteria provided, single submitter. Criteria: GeneDx Variant Classification (06012015). Collection method: clinical testing. Allele origin: germline. Affected: yes.
Comment: This variant is considered likely benign or benign based on one or more of the following criteria: it is a conservative change, it occurs at a poorly conserved position in the protein, it is predicted to be benign by multiple in silico algorithms, and/or has population frequency not consistent with disease.

NM_001267550.2(TTN):c.9471+13T>C

Gene: TTN (titin; minus strand). Cytogenetic location: 2q31.2.
Variant type: single nucleotide variant.
Coding change: c.9471+13T>C on transcript NM_001267550.2 (MANE Select); 13 bases into the intron after coding-DNA position 9471, T replaced by C.
Molecular consequence: intron variant.
Genome position (GRCh38, 1-based): chr2:178,767,746, A>G on the plus strand (T>C on the coding strand, the complement: TTN is on the minus strand). VCF-style: chr2-178767746-A-G. GRCh37 (hg19) VCF-style: chr2-179632473-A-G.
Other names: c.9333+13T>C (NM_003319.4, NM_133437.4, NM_133432.3); c.9471+13T>C (NM_133378.4, NM_001256850.1, NM_133379.5).
Identifiers: ClinVar variation 508471 (VCV000508471.6), dbSNP rs1553989643, ClinGen allele CA658796060.
Genomic context (GRCh38, chr2:178,767,746, plus strand): 5'-AAACATTAAAATATAAAATGATAGATTATGGACTACTGATGATTTTTCAAAACATTTAGT[A>G]TGTAGACAATACCTGAACCTCCTTTTTAATACTTCGGATGCGAACATCTCTGCCTTCTAC-3'